The following is an entry in ClinVar:

ClinVar aggregate classification (germline): Uncertain significance (1 of 4 stars; one submission).

Submission:

Ambry Genetics
Classification: Uncertain significance. Last evaluated: 2024-07-09. Review status: criteria provided, single submitter. Criteria: Ambry Variant Classification Scheme 2023. Collection method: clinical testing. Allele origin: germline.
Comment: The p.A164V variant (also known as c.491C>T), located in coding exon 3 of the MNDA gene, results from a C to T substitution at nucleotide position 491. The alanine at codon 164 is replaced by valine, an amino acid with similar properties. This amino acid position is conserved. In addition, this alteration is predicted to be tolerated by in silico analysis. Based on the available evidence, the clinical significance of this variant remains unclear.

NM_002432.3(MNDA):c.491C>T (p.Ala164Val)

Gene: MNDA (myeloid cell nuclear differentiation antigen; plus strand). Cytogenetic location: 1q23.1.
Variant type: single nucleotide variant.
Coding change: c.491C>T on transcript NM_002432.3 (MANE Select); coding-DNA position 491, C replaced by T.
Protein change: p.Ala164Val; replaces alanine 164 with valine.
Molecular consequence: missense variant.
Genome position (GRCh38, 1-based): chr1:158,844,043, C>T. VCF-style: chr1-158844043-C-T. GRCh37 (hg19) VCF-style: chr1-158813833-C-T.
Other names: short protein forms A164V.
Identifiers: ClinVar variation 3397270 (VCV003397270.1).